The following is an entry in ClinVar:

ClinVar aggregate classification (germline): Uncertain significance (1 of 4 stars; one submission).

Submission:

GeneDx
Classification: Uncertain significance. Last evaluated: 2023-11-11. Review status: criteria provided, single submitter. Criteria: GeneDx Variant Classification Process June 2021. Collection method: clinical testing. Allele origin: germline. Affected: yes.
Comment: Not observed at significant frequency in large population cohorts (gnomAD); In silico analysis supports that this missense variant has a deleterious effect on protein structure/function; Has not been previously published as pathogenic or benign to our knowledge

NM_018489.3(ASH1L):c.7031T>G (p.Met2344Arg)

Gene: ASH1L (ASH1 like histone lysine methyltransferase; minus strand). Cytogenetic location: 1q22.
Variant type: single nucleotide variant.
Coding change: c.7031T>G on transcript NM_018489.3 (MANE Select); coding-DNA position 7031, T replaced by G.
Protein change: p.Met2344Arg; replaces methionine 2344 with arginine.
Molecular consequence: missense variant.
Genome position (GRCh38, 1-based): chr1:155,357,340, A>C on the plus strand (T>G on the coding strand, the complement: ASH1L is on the minus strand). VCF-style: chr1-155357340-A-C. GRCh37 (hg19) VCF-style: chr1-155327131-A-C.
Other names: c.7046T>G, p.Met2349Arg (NM_001366177.2); short protein forms M2344R, M2349R.
Identifiers: ClinVar variation 3364165 (VCV003364165.1).
Genomic context (GRCh38, chr1:155,357,340, plus strand): 5'-TTACAAAGAACATGGATAAGGATATTTCCTTTTTACCTTTCACGATTGGACATTGGCTTC[A>C]TCTGTAATTGGGGGGTCAATCTAGTTGGGGTGTTGATATTTTCACTGGGTTCCTCAGAGA-3'
Protein context (NP_060959.2, residues 2334-2354): TPTRLTPQLQ[Met2344Arg]KPMSNRERNF